The following is an entry in ClinVar:

NM_002109.6(HARS1):c.824-3C>T

Gene: HARS1 (histidyl-tRNA synthetase 1; minus strand). Cytogenetic location: 5q31.3.
Variant type: single nucleotide variant.
Coding change: c.824-3C>T on transcript NM_002109.6 (MANE Select); 3 bases into the intron before coding-DNA position 824, C replaced by T.
Molecular consequence: intron variant.
Genome position (GRCh38, 1-based): chr5:140,677,119, G>A on the plus strand (C>T on the coding strand, the complement: HARS1 is on the minus strand). VCF-style: chr5-140677119-G-A. GRCh37 (hg19) VCF-style: chr5-140056704-G-A.
Other names: c.737-3C>T (NM_001289094.2); c.482-3C>T (NM_001289093.2); c.644-3C>T (NM_001258042.3); c.704-3C>T (NM_001258040.3); c.602-3C>T (NM_001289092.2); c.764-3C>T (NM_001258041.3).
Identifiers: ClinVar variation 2055802 (VCV002055802.4), dbSNP rs753735411, ClinGen allele CA3443970.

ClinVar aggregate classification (germline): Uncertain significance (1 of 4 stars; one submission).

Conditions:
Usher syndrome type 3B. Also called: USHER SYNDROME, TYPE IIIB. Identifiers: MedGen C3281066, MONDO:0013788, OMIM 614504.

Allele frequency attached by ClinVar (database versions not stated): ExAC 0.00001; gnomAD 0.00001.

Submission:

Labcorp Genetics (formerly Invitae), Labcorp
Classification: Uncertain significance for Usher syndrome type 3B. Last evaluated: 2022-05-23. Review status: criteria provided, single submitter. Criteria: Invitae Variant Classification Sherloc (09022015). Collection method: clinical testing. Allele origin: germline.
Comment: In summary, the available evidence is currently insufficient to determine the role of this variant in disease. Therefore, it has been classified as a Variant of Uncertain Significance. Variants that disrupt the consensus splice site are a relatively common cause of aberrant splicing (PMID: 17576681, 9536098). Algorithms developed to predict the effect of sequence changes on RNA splicing suggest that this variant may disrupt the consensus splice site. This variant has not been reported in the literature in individuals affected with HARS-related conditions. This variant is present in population databases (rs753735411, gnomAD 0.007%). This sequence change falls in intron 8 of the HARS gene. It does not directly change the encoded amino acid sequence of the HARS protein. It affects a nucleotide within the consensus splice site.

Literature cited by the submitters: PubMed 17576681; PubMed 9536098.